The following is an entry in ClinVar:

NM_173630.4(RTTN):c.3873C>G (p.Ile1291Met)

Gene: RTTN (rotatin; minus strand). Cytogenetic location: 18q22.2.
Variant type: single nucleotide variant.
Coding change: c.3873C>G on transcript NM_173630.4 (MANE Select); coding-DNA position 3873, C replaced by G.
Protein change: p.Ile1291Met; replaces isoleucine 1291 with methionine.
Molecular consequence: missense variant.
Genome position (GRCh38, 1-based): chr18:70,109,528, G>C on the plus strand (C>G on the coding strand, the complement: RTTN is on the minus strand). VCF-style: chr18-70109528-G-C. GRCh37 (hg19) VCF-style: chr18-67776764-G-C.
Other names: c.1137C>G, p.Ile379Met (NM_001318520.2); short protein forms I1291M, I379M.
Identifiers: ClinVar variation 451589 (VCV000451589.2), dbSNP rs1555733799, ClinGen allele CA402689052.

ClinVar aggregate classification (germline): Uncertain significance (1 of 4 stars; one submission).

Allele frequency attached by ClinVar (database versions not stated): TOPMed below 0.00001.
gnomAD v4.1: 1 of 1,614,018 alleles (0.000062%); highest among the groups gnomAD compares: Admixed American, 0.0017%; no homozygotes.

Submission:

GeneDx
Classification: Uncertain significance. Last evaluated: 2017-08-30. Review status: criteria provided, single submitter. Criteria: GeneDx Variant Classification (06012015). Collection method: clinical testing. Allele origin: germline. Affected: yes.
Comment: The I1291M variant in the RTTN gene has not been reported previously as a pathogenic variant, nor as a benign variant, to our knowledge. This variant is not observed in large population cohorts (Lek et al., 2016; 1000 Genomes Consortium et al., 2015; Exome Variant Server). The I1291M variant is a conservative amino acid substitution, which is not likely to impact secondary protein structure as these residues share similar properties. This substitution occurs at a position where amino acids with similar properties to Isoleucine are tolerated across species. In silico analysis is inconsistent in its predictions as to whether or not the variant is damaging to the protein structure/function. We interpret I1291M as a variant of uncertain significance.